The following is an entry in ClinVar:

ClinVar aggregate classification (germline): Uncertain significance. Review status: criteria provided, single submitter (1 of 4 stars). 2 submissions from 2 submitters: Uncertain significance (1). 1 of the submissions does not count toward it. Last evaluated 2021-08-20.

Conditions:
Fanconi anemia (FA). Also called: Fanconi's anemia. Identifiers: Orphanet 84, MedGen C0015625, MeSH D005199, MONDO:0019391.

Allele frequency attached by ClinVar (database versions not stated): gnomAD exomes below 0.00001.
gnomAD v4.1: 2 of 1,613,866 alleles (0.00012%); highest among the groups gnomAD compares: Non-Finnish European, 0.000085%; no homozygotes.

Submissions (2):

Labcorp Genetics (formerly Invitae), Labcorp
Classification: Uncertain significance for Fanconi anemia. Last evaluated: 2021-08-20. Review status: criteria provided, single submitter. Criteria: Invitae Variant Classification Sherloc (09022015). Collection method: clinical testing. Allele origin: germline.
Comment: This sequence change falls in intron 17 of the FANCA gene. It does not directly change the encoded amino acid sequence of the FANCA protein. This variant is not present in population databases (ExAC no frequency). This variant has not been reported in the literature in individuals affected with FANCA-related conditions. Algorithms developed to predict the effect of sequence changes on RNA splicing suggest that this variant may disrupt the consensus splice site. In summary, the available evidence is currently insufficient to determine the role of this variant in disease. Therefore, it has been classified as a Variant of Uncertain Significance.

Natera, Inc.
Classification: Uncertain significance for Fanconi anemia. Last evaluated: 2021-01-07. Review status: no assertion criteria provided. Collection method: clinical testing. Allele origin: germline. Not counted in ClinVar's aggregate classification.

NM_000135.4(FANCA):c.1627-5A>G

Gene: FANCA (FA complementation group A; minus strand). Cytogenetic location: 16q24.3.
Variant type: single nucleotide variant.
Coding change: c.1627-5A>G on transcript NM_000135.4 (MANE Select); 5 bases into the intron before coding-DNA position 1627, A replaced by G.
Molecular consequence: intron variant.
Genome position (GRCh38, 1-based): chr16:89,779,962, T>C on the plus strand (A>G on the coding strand, the complement: FANCA is on the minus strand). VCF-style: chr16-89779962-T-C. GRCh37 (hg19) VCF-style: chr16-89846370-T-C.
Other names: c.1627-5A>G (NM_001286167.3).
Identifiers: ClinVar variation 1008132 (VCV001008132.9), dbSNP rs2039645024, ClinGen allele CA2241917271.